The following is an entry in ClinVar:

ClinVar aggregate classification (germline): not provided (0 of 4 stars; one submission).

Allele frequency attached by ClinVar (database versions not stated): gnomAD 0.00001.
gnomAD v4.1: 1 of 1,614,192 alleles (0.000062%); highest among the groups gnomAD compares: African/African-American, 0.0013%; no homozygotes.

Submission:

Human Evolutionary Genetics, Institut Pasteur
No classification provided. Review status: no classification provided. Collection method: not provided. Allele origin: germline.
ClinVar note: Converted during submission from untested to not provided.

NM_001384950.1(NLRC5):c.856T>G (p.Ser286Ala)

Gene: NLRC5 (NLR family CARD domain containing 5; plus strand). Cytogenetic location: 16q13.
Variant type: single nucleotide variant.
Coding change: c.856T>G on transcript NM_001384950.1 (MANE Select); coding-DNA position 856, T replaced by G.
Protein change: p.Ser286Ala; replaces serine 286 with alanine.
Molecular consequence: missense variant. On other transcripts: non-coding transcript variant (9).
Genome position (GRCh38, 1-based): chr16:57,025,799, T>G. VCF-style: chr16-57025799-T-G. GRCh37 (hg19) VCF-style: chr16-57059711-T-G.
Other names: c.856T>G, p.Ser286Ala (NM_001330552.2, NM_001384951.1, NM_001384952.1 and 21 more transcripts); c.685T>G, p.Ser229Ala (NM_001384972.1); short protein forms S286A, S229A.
Identifiers: ClinVar variation 103212 (VCV000103212.2), dbSNP rs1555520385, ClinGen allele CA230265.